The following is an entry in ClinVar:

NM_001079802.2(FKTN):c.748T>C (p.Cys250Arg)

Gene: FKTN (fukutin; plus strand). Cytogenetic location: 9q31.2.
Variant type: single nucleotide variant.
Coding change: c.748T>C on transcript NM_001079802.2 (MANE Select); coding-DNA position 748, T replaced by C.
Protein change: p.Cys250Arg; replaces cysteine 250 with arginine.
Molecular consequence: missense variant. On other transcripts: non-coding transcript variant (2).
Genome position (GRCh38, 1-based): chr9:105,607,919, T>C. VCF-style: chr9-105607919-T-C. GRCh37 (hg19) VCF-style: chr9-108370200-T-C.
Other names: c.748T>C, p.Cys250Arg (NM_001198963.2, NM_001351496.2, NM_001351498.2 and 1 more transcripts); c.679T>C, p.Cys227Arg (NM_001351497.2); c.352T>C, p.Cys118Arg (NM_001351499.2, NM_001351500.2, NM_001351501.2 and 1 more transcripts); short protein forms C250R, C118R, C227R.
Identifiers: ClinVar variation 93524 (VCV000093524.8), dbSNP rs398123558, ClinGen allele CA221467.

ClinVar aggregate classification (germline): Conflicting classifications of pathogenicity. Review status: criteria provided, conflicting classifications (1 of 4 stars). 2 submissions from 2 submitters: Likely pathogenic (1); Uncertain significance (1). Last evaluated 2017-08-24.

Submissions (2):

Women's Health and Genetics/Laboratory Corporation of America, LabCorp
Classification: Uncertain significance. Last evaluated: 2017-08-24. Review status: criteria provided, single submitter. Criteria: LabCorp Variant Classification Summary - May 2015. Collection method: clinical testing. Allele origin: germline.
Comment: Variant summary: The FKTN c.748T>C (p.Cys250Arg) variant involves the alteration of a conserved nucleotide and 4/4 in silico tools (SNPsandGO not captured due to low reliability index) predict a damaging outcome for this variant. However, these predictions have yet to be functionally assessed. This variant is absent in 121170 control chromosomes. A clinical diagnostic laboratory cites the variant of interest, however, it is believed that it was cited in error due to another variant at this location, c.748T>G, which causes a different missense change, Cys250Gly that has been cited in a FCMD pt (Kondo-Lida PMID: 10545611). The variant of interest, however, to our knowledge, has not been reported in affected individuals via publications and/or reputable databases/clinical diagnostic laboratories. Because of the absence of clinical information and the lack of functional studies, the variant is classified as a "Variant of Uncertain Significance (VUS)," until additional information becomes available.

Eurofins Ntd Llc (ga)
Classification: Likely pathogenic. Last evaluated: 2013-07-24. Review status: criteria provided, single submitter. Criteria: EGL Classification Definitions. Collection method: clinical testing. Allele origin: germline. Observed: 1 variant allele, 1 heterozygote.